The following is an entry in ClinVar:

ClinVar aggregate classification (germline): Conflicting classifications of pathogenicity. Review status: criteria provided, conflicting classifications (1 of 4 stars). 2 submissions from 2 submitters: Uncertain significance (1); Likely benign (1). Last evaluated 2025-03-01.

Allele frequency attached by ClinVar (database versions not stated): gnomAD exomes 0.00004; ExAC 0.00007; TOPMed 0.00009; gnomAD 0.00011; 1000 Genomes Project 30x 0.00016; 1000 Genomes Project 0.00020.

Submissions (2):

Ambry Genetics
Classification: Likely benign. Last evaluated: 2025-03-01. Review status: criteria provided, single submitter. Criteria: Ambry Variant Classification Scheme 2023. Collection method: clinical testing. Allele origin: germline.

Labcorp Genetics (formerly Invitae), Labcorp
Classification: Uncertain significance. Last evaluated: 2024-03-27. Review status: criteria provided, single submitter. Criteria: Invitae Variant Classification Sherloc (09022015). Collection method: clinical testing. Allele origin: germline.
Comment: This sequence change replaces valine, which is neutral and non-polar, with isoleucine, which is neutral and non-polar, at codon 264 of the FBN3 protein (p.Val264Ile). This variant is present in population databases (rs199554298, gnomAD 0.03%). This variant has not been reported in the literature in individuals affected with FBN3-related conditions. ClinVar contains an entry for this variant (Variation ID: 2084981). Algorithms developed to predict the effect of missense changes on protein structure and function output the following: SIFT: "Not Available"; PolyPhen-2: "Benign"; Align-GVGD: "Not Available". The isoleucine amino acid residue is found in multiple mammalian species, which suggests that this missense change does not adversely affect protein function. In summary, the available evidence is currently insufficient to determine the role of this variant in disease. Therefore, it has been classified as a Variant of Uncertain Significance.

NM_032447.5(FBN3):c.790G>A (p.Val264Ile)

Gene: FBN3 (fibrillin 3; minus strand). Cytogenetic location: 19p13.2.
Variant type: single nucleotide variant.
Coding change: c.790G>A on transcript NM_032447.5 (MANE Select); coding-DNA position 790, G replaced by A.
Protein change: p.Val264Ile; replaces valine 264 with isoleucine.
Molecular consequence: missense variant.
Genome position (GRCh38, 1-based): chr19:8,141,792, C>T on the plus strand (G>A on the coding strand, the complement: FBN3 is on the minus strand). VCF-style: chr19-8141792-C-T. GRCh37 (hg19) VCF-style: chr19-8206676-C-T.
Other names: c.790G>A (NM_032447.3); c.790G>A, p.Val264Ile (NM_001321431.2); short protein forms V264I.
Identifiers: ClinVar variation 2084981 (VCV002084981.5), dbSNP rs199554298, ClinGen allele CA9153589.